The following is an entry in ClinVar:

ClinVar aggregate classification (germline): Likely benign (1 of 4 stars; one submission).

Submission:

CeGaT Center for Human Genetics Tuebingen
Classification: Likely benign. Last evaluated: 2023-06-01. Review status: criteria provided, single submitter. Criteria: CeGaT Center For Human Genetics Tuebingen Variant Classification Criteria Version 2. Collection method: clinical testing. Allele origin: germline. Affected: yes. Observed: 2 variant alleles.
Comment: IL2RB: PM2:Supporting, BP4, BP7

NM_000878.5(IL2RB):c.1467T>G (p.Pro489=)

Gene: IL2RB (interleukin 2 receptor subunit beta; minus strand). Cytogenetic location: 22q12.3.
Variant type: single nucleotide variant.
Coding change: c.1467T>G on transcript NM_000878.5 (MANE Select); coding-DNA position 1467, T replaced by G.
Protein change: p.Pro489=; no amino-acid change (proline 489 retained).
Molecular consequence: synonymous variant.
Genome position (GRCh38, 1-based): chr22:37,128,285, A>C on the plus strand (T>G on the coding strand, the complement: IL2RB is on the minus strand). VCF-style: chr22-37128285-A-C. GRCh37 (hg19) VCF-style: chr22-37524325-A-C.
Other names: c.1467T>G, p.Pro489= (NM_001346222.1, NM_001346223.2).
Identifiers: ClinVar variation 2571158 (VCV002571158.27), dbSNP rs1921222701, ClinGen allele CA514585945.
Genomic context (GRCh38, chr22:37,128,285, plus strand): 5'-GACTCCCTCCCTGGGGCCAGCGTCAGGGACCTCCTCCCCAGCCTCTCGCAGCACCAGCTC[A>C]GGGGGTGGCTGAAAATCCACCAGGTCTGGGACTCCTGGGGTGGGAGGCCCCAGGGGCTGG-3'
Protein context (NP_000869.1, residues 479-499): VPDLVDFQPP[Pro489=]ELVLREAGEE